The following is an entry in ClinVar:

NM_000135.4(FANCA):c.1915G>C (p.Val639Leu)

Gene: FANCA (FA complementation group A; minus strand). Cytogenetic location: 16q24.3.
Variant type: single nucleotide variant.
Coding change: c.1915G>C on transcript NM_000135.4 (MANE Select); coding-DNA position 1915, G replaced by C.
Protein change: p.Val639Leu; replaces valine 639 with leucine.
Molecular consequence: missense variant.
Genome position (GRCh38, 1-based): chr16:89,773,370, C>G on the plus strand (G>C on the coding strand, the complement: FANCA is on the minus strand). VCF-style: chr16-89773370-C-G. GRCh37 (hg19) VCF-style: chr16-89839778-C-G.
Other names: c.1915G>C, p.Val639Leu (NM_001286167.3); short protein forms V639L.
Identifiers: ClinVar variation 2681893 (VCV002681893.1), dbSNP rs1383827954, ClinGen allele CA397450373.
Genomic context (GRCh38, chr16:89,773,370, plus strand): 5'-CTCCCAGTGCAGCTGTGAGCTGTCCCAGGGGCTCCTCAGCAGAGTTGGGTTCTGCCCTCA[C>G]TCCCAGGGCTGCATCTGTGAGAAGAAGGAAGAAACCAGATGGAAAGACACTCAACAGGAC-3'
Protein context (NP_000126.2, residues 629-649): EEKPEDAALG[Val639Leu]RAEPNSAEEP

ClinVar aggregate classification (germline): Uncertain significance (1 of 4 stars; one submission).

Submission:

Quest Diagnostics Nichols Institute San Juan Capistrano
Classification: Uncertain significance. Last evaluated: 2022-10-21. Review status: criteria provided, single submitter. Criteria: Quest Diagnostics criteria. Collection method: clinical testing. Allele origin: unknown.
Comment: This variant has not been reported in the published literature. It also has not been reported in large, multi-ethnic general populations. Analysis of this variant using bioinformatics tools for the prediction of the effect of amino acid changes on protein structure and function yielded predictions that this variant is benign. Based on the available information, we are unable to determine the clinical significance of this variant.